The following is an entry in ClinVar:

NM_020631.6(PLEKHG5):c.83C>T (p.Pro28Leu)

Gene: PLEKHG5 (pleckstrin homology and RhoGEF domain containing G5; minus strand). Cytogenetic location: 1p36.31.
Variant type: single nucleotide variant.
Coding change: c.83C>T on transcript NM_020631.6 (MANE Select); coding-DNA position 83, C replaced by T.
Protein change: p.Pro28Leu; replaces proline 28 with leucine.
Molecular consequence: missense variant.
Genome position (GRCh38, 1-based): chr1:6,475,997, G>A on the plus strand (C>T on the coding strand, the complement: PLEKHG5 is on the minus strand). VCF-style: chr1-6475997-G-A. GRCh37 (hg19) VCF-style: chr1-6536057-G-A.
Other names: c.194C>T, p.Pro65Leu (NM_001042663.3, NM_001265592.2); c.83C>T, p.Pro28Leu (NM_001042664.2, NM_001042665.2, NM_001265594.3 and 1 more transcripts); c.290C>T, p.Pro97Leu (NM_001265593.2); short protein forms P28L, P105L, P97L, P65L.
Identifiers: ClinVar variation 245987 (VCV000245987.57), dbSNP rs143585428, ClinGen allele CA562000.

ClinVar aggregate classification (germline): Uncertain significance. Review status: criteria provided, multiple submitters, no conflicts (2 of 4 stars). 8 submissions from 8 submitters: Uncertain significance (8). Last evaluated 2025-02-27.

Conditions:
Testicular atrophy. Identifiers: MedGen C0156312, MONDO:0001415, HP:0000029.
Charcot-Marie-Tooth disease recessive intermediate C. Also called: CHARCOT-MARIE-TOOTH NEUROPATHY, RECESSIVE INTERMEDIATE C. Identifiers: Orphanet 369867, MedGen C3809309, MONDO:0014154, OMIM 615376.
Neuronopathy, distal hereditary motor, autosomal recessive 4. Also called: Autosomal recessive lower motor neuron disease with childhood onset; NEUROPATHY, DISTAL HEREDITARY MOTOR, AUTOSOMAL RECESSIVE 4. Identifiers: Orphanet 206580, MedGen C1970211, MONDO:0012608, OMIM 611067.
Inborn genetic diseases. Identifiers: MedGen C0950123, MeSH D030342.

Allele frequency attached by ClinVar (database versions not stated): ESP Exome Variant Server 0.00008; ExAC 0.00015; gnomAD exomes 0.00015 and 0.00028; gnomAD 0.00016; TOPMed 0.00018.
gnomAD v4.1: 437 of 1,613,586 alleles (0.027%); highest among the groups gnomAD compares: Non-Finnish European, 0.033%; no homozygotes.

Submissions (8):

GeneDx
Classification: Uncertain significance. Last evaluated: 2025-02-27. Review status: criteria provided, single submitter. Criteria: GeneDx Variant Classification Process June 2021. Collection method: clinical testing. Allele origin: germline. Affected: yes.
Comment: Reported previously as a variant of uncertain significance in a cohort of patients with idiopathic peripheral neuropathy; however, no further clinical or segregation information was provided (PMID: 26392352); In silico analysis supports that this missense variant has a deleterious effect on protein structure/function; This variant is associated with the following publications: (PMID: 26392352)

Blueprint Genetics
Classification: Uncertain significance. Last evaluated: 2024-11-07. Review status: criteria provided, single submitter. Criteria: ACMG Guidelines, 2015. Collection method: clinical testing. Allele origin: germline.

Ambry Genetics
Classification: Uncertain significance for Inborn genetic diseases. Last evaluated: 2023-10-13. Review status: criteria provided, single submitter. Criteria: Ambry Variant Classification Scheme 2023. Collection method: clinical testing. Allele origin: germline.

CeGaT Center for Human Genetics Tuebingen
Classification: Uncertain significance. Last evaluated: 2023-05-01. Review status: criteria provided, single submitter. Criteria: CeGaT Center For Human Genetics Tuebingen Variant Classification Criteria Version 2. Collection method: clinical testing. Allele origin: germline. Affected: yes. Observed: 3 variant alleles.
Comment: PLEKHG5: PM2, PP3

Molecular Genetics, Royal Melbourne Hospital
Classification: Uncertain significance for Testicular atrophy. Last evaluated: 2023-03-30. Review status: criteria provided, single submitter. Criteria: ACMG Guidelines, 2015. Collection method: clinical testing. Allele origin: germline.
Comment: This sequence change is predicted to replace proline with leucine at codon 28 of the PLEKHG5 protein (p.(Pro28Leu)). The proline residue is evolutionarily conserved (100 vertebrates, UCSC), and is not located in a known functional domain. There is a moderate physicochemical difference between proline and leucine. The variant is present in a large population cohort at a frequency of 0.01% ( rs143585428, 38/281,352 alleles, 0 homozygotes in gnomAD v2.1), and has been reported as a variant of uncertain significance (ClinVar). Multiple lines of computational evidence predict a deleterious effect for the missense substitution (6/6 algorithms). Based on the classification scheme RMH Modified ACMG Guidelines v1.4.0, this variant is classified as a VARIANT OF UNCERTAIN SIGNIFICANCE. Following criteria are met: PM2_Supporting, PP3.

Labcorp Genetics (formerly Invitae), Labcorp
Classification: Uncertain significance for Neuronopathy, distal hereditary motor, autosomal recessive 4; Charcot-Marie-Tooth disease recessive intermediate C. Last evaluated: 2022-07-20. Review status: criteria provided, single submitter. Criteria: Invitae Variant Classification Sherloc (09022015). Collection method: clinical testing. Allele origin: germline.
Comment: This sequence change replaces proline, which is neutral and non-polar, with leucine, which is neutral and non-polar, at codon 28 of the PLEKHG5 protein (p.Pro28Leu). This variant is present in population databases (rs143585428, gnomAD 0.04%). This missense change has been observed in individual(s) with Charcot-Marie-Tooth disease (PMID: 26392352). ClinVar contains an entry for this variant (Variation ID: 245987). Algorithms developed to predict the effect of missense changes on protein structure and function are either unavailable or do not agree on the potential impact of this missense change (SIFT: "Deleterious"; PolyPhen-2: "Probably Damaging"; Align-GVGD: "Class C0"). In summary, the available evidence is currently insufficient to determine the role of this variant in disease. Therefore, it has been classified as a Variant of Uncertain Significance.

Greenwood Genetic Center Diagnostic Laboratories, Greenwood Genetic Center
Classification: Uncertain significance. Last evaluated: 2021-01-04. Review status: criteria provided, single submitter. Criteria: ACMG Guidelines, 2015. Collection method: clinical testing. Allele origin: germline. Affected: yes.
Comment: PP3

Mayo Clinic Laboratories, Mayo Clinic
Classification: Uncertain significance. Last evaluated: 2020-07-13. Review status: criteria provided, single submitter. Criteria: ACMG Guidelines, 2015. Collection method: clinical testing. Allele origin: germline. Observed: 1 variant allele.

Literature cited by the submitters: PubMed 26392352 (cited by 3 submitters).